The following is an entry in ClinVar:

NM_213599.3(ANO5):c.294+2dup

Gene: ANO5 (anoctamin 5; plus strand). Cytogenetic location: 11p14.3.
Variant type: Duplication.
Coding change: c.294+2dup on transcript NM_213599.3 (MANE Select); the canonical splice donor site of the intron after coding-DNA position 294, one base duplicated (T; older notation c.294+2dupT).
Molecular consequence: splice donor variant.
Genome position (GRCh38, 1-based): chr11:22,221,212, T duplicated. VCF-style (leftmost placement, unchanged base first): chr11-22221211-G-GT. GRCh37 (hg19) VCF-style: chr11-22242757-G-GT.
Other names: c.252+2dup (NM_001410963.1); c.291+2dup (NM_001142649.2); c.249+2dup (NM_001410964.1).
Identifiers: ClinVar variation 3751053 (VCV003751053.2).

ClinVar aggregate classification (germline): Uncertain significance (1 of 4 stars; one submission).

Conditions:
Gnathodiaphyseal dysplasia (GDD). Also called: GNATHODIAPHYSEAL SCLEROSIS; OSTEOGENESIS IMPERFECTA WITH UNUSUAL SKELETAL LESIONS. Identifiers: Orphanet 53697, MedGen C1833736, MONDO:0008151, OMIM 166260.
Autosomal recessive limb-girdle muscular dystrophy type 2L (LGMDR12). Also called: Limb-girdle muscular dystrophy, type 2L; MUSCULAR DYSTROPHY, LIMB-GIRDLE, AUTOSOMAL RECESSIVE 12; Limb-Girdle Muscular Dystrophy R12 Anoctamin-5-Related (LGMD-R12). Identifiers: Orphanet 206549, MedGen C1969785, MONDO:0012652, OMIM 611307.

Submission:

Labcorp Genetics (formerly Invitae), Labcorp
Classification: Uncertain significance for Autosomal recessive limb-girdle muscular dystrophy type 2L; Gnathodiaphyseal dysplasia. Last evaluated: 2026-01-27. Review status: criteria provided, single submitter. Criteria: Invitae Variant Classification Sherloc (09022015). Collection method: clinical testing. Allele origin: germline.
Comment: This sequence change falls in intron 5 of the ANO5 gene. It does not directly change the encoded amino acid sequence of the ANO5 protein. It affects a nucleotide within the consensus splice site. This variant is not present in population databases (gnomAD no frequency). This variant has not been reported in the literature in individuals affected with ANO5-related conditions. ClinVar contains an entry for this variant (Variation ID: 3751053). Variants that disrupt the consensus splice site are a relatively common cause of aberrant splicing (PMID: 17576681, 9536098). Algorithms developed to predict the effect of sequence changes on RNA splicing suggest that this variant may disrupt the consensus splice site. In summary, the available evidence is currently insufficient to determine the role of this variant in disease. Therefore, it has been classified as a Variant of Uncertain Significance.

Literature cited by the submitters: PubMed 17576681; PubMed 9536098.